The following is an entry in ClinVar:

ClinVar aggregate classification (germline): Uncertain significance (1 of 4 stars; one submission).

Allele frequency attached by ClinVar (database versions not stated): ExAC 0.00001; gnomAD 0.00001; gnomAD exomes 0.00001 and 0.00002; TOPMed 0.00002.

Submission:

Labcorp Genetics (formerly Invitae), Labcorp
Classification: Uncertain significance. Last evaluated: 2021-08-18. Review status: criteria provided, single submitter. Criteria: Invitae Variant Classification Sherloc (09022015). Collection method: clinical testing. Allele origin: germline.
Comment: This sequence change replaces arginine with cysteine at codon 565 of the FCHO1 protein (p.Arg565Cys). The arginine residue is moderately conserved and there is a large physicochemical difference between arginine and cysteine. This variant is present in population databases (rs201673663, ExAC 0.002%). This variant has not been reported in the literature in individuals affected with FCHO1-related conditions. Algorithms developed to predict the effect of missense changes on protein structure and function are either unavailable or do not agree on the potential impact of this missense change (SIFT: "Deleterious"; PolyPhen-2: "Probably Damaging"; Align-GVGD: "Class C0"). In summary, the available evidence is currently insufficient to determine the role of this variant in disease. Therefore, it has been classified as a Variant of Uncertain Significance.

NM_015122.3(FCHO1):c.1693C>T (p.Arg565Cys)

Gene: FCHO1 (FCH and mu domain containing endocytic adaptor 1; plus strand). Cytogenetic location: 19p13.11.
Variant type: single nucleotide variant.
Coding change: c.1693C>T on transcript NM_015122.3 (MANE Select); coding-DNA position 1693, C replaced by T.
Protein change: p.Arg565Cys; replaces arginine 565 with cysteine.
Molecular consequence: missense variant. On other transcripts: non-coding transcript variant (36).
Genome position (GRCh38, 1-based): chr19:17,781,296, C>T. VCF-style: chr19-17781296-C-T. GRCh37 (hg19) VCF-style: chr19-17892105-C-T.
Other names: c.1417C>T, p.Arg473Cys (NM_001384404.1, NM_001384396.1, NM_001384397.1 and 5 more transcripts); c.1654C>T, p.Arg552Cys (NM_001384405.1, NM_001384388.1, NM_001384389.1); c.1267C>T, p.Arg423Cys (NM_001384406.1); c.1123C>T, p.Arg375Cys (NM_001384407.1); c.1693C>T, p.Arg565Cys (NM_001161357.2, NM_001161358.2, NM_001384370.1 and 13 more transcripts); c.1543C>T, p.Arg515Cys (NM_001161359.2, NM_001384384.1, NM_001384385.1 and 1 more transcripts); c.1618C>T, p.Arg540Cys (NM_001384390.1); c.1576C>T, p.Arg526Cys (NM_001384392.1, NM_001384393.1, NM_001384394.1 and 1 more transcripts); and 1 more; short protein forms R375C, R515C, R565C, R458C, R526C, R423C, R473C, R540C.
Identifiers: ClinVar variation 1474286 (VCV001474286.3), dbSNP rs201673663, ClinGen allele CA9300586.